The following is an entry in ClinVar:

NC_000016.10:g.88651083C>T

Gene: CYBA (cytochrome b-245 alpha chain; minus strand). Cytogenetic location: 16q24.2.
Variant type: single nucleotide variant.
Genome position: GRCh38 VCF-style: chr16-88651083-C-T. GRCh37 (hg19) VCF-style: chr16-88717491-C-T.
Identifiers: ClinVar variation 556199 (VCV000556199.15), dbSNP rs72550704, ClinGen allele CA286358137.

ClinVar aggregate classification (germline): Likely benign. Review status: criteria provided, multiple submitters, no conflicts (2 of 4 stars). 4 submissions from 4 submitters: Likely benign (3). 1 of the submissions does not count toward it. Last evaluated 2025-08-04.

Conditions:
Granulomatous disease, chronic, autosomal recessive, cytochrome b-negative. Also called: GRANULOMATOUS DISEASE, CHRONIC, AUTOSOMAL RECESSIVE, 4; Chronic granulomatous disease, autosomal, due to deficiency of CYBA; CGD DUE TO DEFICIENCY OF THE ALPHA SUBUNIT OF CYTOCHROME b; CGD, AUTOSOMAL RECESSIVE CYTOCHROME b-NEGATIVE; CYBA DEFICIENCY. Identifiers: Orphanet 379, MedGen C1856255, MONDO:0009308, OMIM 233690.

Allele frequency attached by ClinVar (database versions not stated): TOPMed 0.00880; gnomAD 0.00969 and 0.00941; gnomAD exomes 0.01533; 1000 Genomes Project 0.00779.

Submissions (4):

Labcorp Genetics (formerly Invitae), Labcorp
Classification: Likely benign for Granulomatous disease, chronic, autosomal recessive, cytochrome b-negative. Last evaluated: 2025-08-04. Review status: criteria provided, single submitter. Criteria: Invitae Variant Classification Sherloc (09022015). Collection method: clinical testing. Allele origin: germline.

GeneDx
Classification: Likely benign. Last evaluated: 2019-11-14. Review status: criteria provided, single submitter. Criteria: GeneDx Variant Classification Process June 2021. Collection method: clinical testing. Allele origin: germline. Affected: yes.
Comment: This variant is associated with the following publications: (PMID: 24931457)

Breakthrough Genomics
Classification: Likely benign. Review status: criteria provided, single submitter. Criteria: ACMG Guidelines, 2015. Collection method: not provided. Allele origin: germline. Inheritance: Autosomal recessive inheritance. Affected: yes.

Counsyl
Classification: Likely benign for Granulomatous disease, chronic, autosomal recessive, cytochrome b-negative. Last evaluated: 2018-01-22. Review status: no assertion criteria provided. Collection method: clinical testing. Allele origin: unknown. Not counted in ClinVar's aggregate classification.